The following is an entry in ClinVar:

ClinVar aggregate classification (germline): Uncertain significance (1 of 4 stars; one submission).

Submission:

Labcorp Genetics (formerly Invitae), Labcorp
Classification: Uncertain significance. Last evaluated: 2025-05-23. Review status: criteria provided, single submitter. Criteria: Invitae Variant Classification Sherloc (09022015). Collection method: clinical testing. Allele origin: germline.
Comment: This sequence change replaces alanine, which is neutral and non-polar, with proline, which is neutral and non-polar, at codon 846 of the POLE protein (p.Ala846Pro). This variant is not present in population databases (gnomAD no frequency). This variant has not been reported in the literature in individuals affected with POLE-related conditions. Invitae Evidence Modeling of protein sequence and biophysical properties (such as structural, functional, and spatial information, amino acid conservation, physicochemical variation, residue mobility, and thermodynamic stability) indicates that this missense variant is expected to disrupt POLE protein function with a positive predictive value of 80%. In summary, the available evidence is currently insufficient to determine the role of this variant in disease. Therefore, it has been classified as a Variant of Uncertain Significance.

NM_006231.4(POLE):c.2536G>C (p.Ala846Pro)

Gene: POLE (DNA polymerase epsilon, catalytic subunit; minus strand). Cytogenetic location: 12q24.33.
Variant type: single nucleotide variant.
Coding change: c.2536G>C on transcript NM_006231.4 (MANE Select); coding-DNA position 2536, G replaced by C.
Protein change: p.Ala846Pro; replaces alanine 846 with proline.
Molecular consequence: missense variant.
Genome position (GRCh38, 1-based): chr12:132,664,395, C>G on the plus strand (G>C on the coding strand, the complement: POLE is on the minus strand). VCF-style: chr12-132664395-C-G. GRCh37 (hg19) VCF-style: chr12-133240981-C-G.
Other names: short protein forms A846P.
Identifiers: ClinVar variation 4740934 (VCV004740934.1).